The following is an entry in ClinVar:

NM_005359.6(SMAD4):c.700A>G (p.Ser234Gly)

Gene: SMAD4 (SMAD family member 4; plus strand). Cytogenetic location: 18q21.2.
Variant type: single nucleotide variant.
Coding change: c.700A>G on transcript NM_005359.6 (MANE Select); coding-DNA position 700, A replaced by G.
Protein change: p.Ser234Gly; replaces serine 234 with glycine.
Molecular consequence: missense variant.
Genome position (GRCh38, 1-based): chr18:51,058,157, A>G. VCF-style: chr18-51058157-A-G. GRCh37 (hg19) VCF-style: chr18-48584527-A-G.
Other names: short protein forms S234G.
Identifiers: ClinVar variation 492490 (VCV000492490.10), dbSNP rs758642067, ClinGen allele CA402462716.

ClinVar aggregate classification (germline): Uncertain significance. Review status: criteria provided, multiple submitters, no conflicts (2 of 4 stars). 5 submissions from 5 submitters: Uncertain significance (5). Last evaluated 2025-08-25.

Conditions:
Hereditary cancer-predisposing syndrome. Also called: Hereditary neoplastic syndrome; Tumor predisposition; Neoplastic Syndromes, Hereditary; Hereditary Cancer Syndrome. Identifiers: Orphanet 140162, MedGen C0027672, MeSH D009386, MONDO:0015356.
Familial thoracic aortic aneurysm and aortic dissection (TAAD). Also called: Thoracic aortic aneurysms and dissections. Identifiers: Orphanet 91387, MedGen C4707243, MONDO:0019625.
Juvenile polyposis syndrome (JPS). Identifiers: Orphanet 2929, MedGen C0345893, MONDO:0017380, OMIM 174900.
Juvenile polyposis/hereditary hemorrhagic telangiectasia syndrome (JPHT). Also called: Juvenile Polyposis Syndrome / Hereditary Hemorrhagic Telangiectasia (JPS/HHT); JP/HHT SYNDROME; JUVENILE POLYPOSIS WITH HEREDITARY HEMORRHAGIC TELANGIECTASIA; POLYPOSIS, GENERALIZED JUVENILE, WITH PULMONARY ARTERIOVENOUS MALFORMATION; TELANGIECTASIA, HEREDITARY HEMORRHAGIC, WITH JUVENILE POLYPOSIS COLI. Identifiers: Orphanet 2929, MedGen C1832942, MONDO:0008278, OMIM 175050.

Allele frequency attached by ClinVar (database versions not stated): TOPMed below 0.00001.

Submissions (5):

Labcorp Genetics (formerly Invitae), Labcorp
Classification: Uncertain significance for Juvenile polyposis syndrome. Last evaluated: 2025-08-25. Review status: criteria provided, single submitter. Criteria: Invitae Variant Classification Sherloc (09022015). Collection method: clinical testing. Allele origin: germline.
Comment: This sequence change replaces serine, which is neutral and polar, with glycine, which is neutral and non-polar, at codon 234 of the SMAD4 protein (p.Ser234Gly). This variant is not present in population databases (gnomAD no frequency). This variant has not been reported in the literature in individuals affected with SMAD4-related conditions. ClinVar contains an entry for this variant (Variation ID: 492490). Invitae Evidence Modeling of protein sequence and biophysical properties (such as structural, functional, and spatial information, amino acid conservation, physicochemical variation, residue mobility, and thermodynamic stability) indicates that this missense variant is not expected to disrupt SMAD4 protein function with a negative predictive value of 95%. In summary, the available evidence is currently insufficient to determine the role of this variant in disease. Therefore, it has been classified as a Variant of Uncertain Significance.

Ambry Genetics
Classification: Uncertain significance for Hereditary cancer-predisposing syndrome; Familial thoracic aortic aneurysm and aortic dissection. Last evaluated: 2025-07-29. Review status: criteria provided, single submitter. Criteria: Ambry Variant Classification Scheme 2023. Collection method: clinical testing. Allele origin: germline.
Comment: The p.S234G variant (also known as c.700A>G), located in coding exon 5 of the SMAD4 gene, results from an A to G substitution at nucleotide position 700. The serine at codon 234 is replaced by glycine, an amino acid with similar properties. This amino acid position is well conserved in available vertebrate species. In addition, this alteration is predicted to be tolerated by in silico analysis. Based on the available evidence, the clinical significance of this variant remains unclear.

Baylor Genetics
Classification: Uncertain significance for Juvenile polyposis/hereditary hemorrhagic telangiectasia syndrome. Last evaluated: 2023-08-25. Review status: criteria provided, single submitter. Criteria: ACMG Guidelines, 2015. Collection method: clinical testing. Allele origin: unknown.

Quest Diagnostics Nichols Institute San Juan Capistrano
Classification: Uncertain significance. Last evaluated: 2022-09-07. Review status: criteria provided, single submitter. Criteria: Quest Diagnostics criteria. Collection method: clinical testing. Allele origin: unknown.
Comment: The variant has not been reported in the published literature. It also has not been reported in large, multi-ethnic general populations. Analysis of this variant using bioinformatics tools for the prediction of the effect of amino acid changes on protein structure and function yielded predictions that this variant is benign. Based on the available information, we are unable to determine the clinical significance of this variant.

Color Diagnostics, LLC DBA Color Health
Classification: Uncertain significance for Hereditary cancer-predisposing syndrome. Last evaluated: 2019-01-24. Review status: criteria provided, single submitter. Criteria: ACMG Guidelines, 2015. Collection method: clinical testing. Allele origin: germline.